The following is an entry in ClinVar:

NM_020812.4(DOCK6):c.5573C>T (p.Pro1858Leu)

Gene: DOCK6 (dedicator of cytokinesis 6; minus strand). Cytogenetic location: 19p13.2.
Variant type: single nucleotide variant.
Coding change: c.5573C>T on transcript NM_020812.4 (MANE Select); coding-DNA position 5573, C replaced by T.
Protein change: p.Pro1858Leu; replaces proline 1858 with leucine.
Molecular consequence: missense variant.
Genome position (GRCh38, 1-based): chr19:11,202,004, G>A on the plus strand (C>T on the coding strand, the complement: DOCK6 is on the minus strand). VCF-style: chr19-11202004-G-A. GRCh37 (hg19) VCF-style: chr19-11312680-G-A.
Other names: c.5678C>T, p.Pro1893Leu (NM_001367830.1); short protein forms P1858L, P1893L.
Identifiers: ClinVar variation 1933514 (VCV001933514.3), dbSNP rs2079176967, ClinGen allele CA404073986.

ClinVar aggregate classification (germline): Uncertain significance (1 of 4 stars; one submission).

Allele frequency attached by ClinVar (database versions not stated): gnomAD exomes below 0.00001; gnomAD 0.00001; TOPMed 0.00001.
gnomAD v4.1: 7 of 1,613,926 alleles (0.00043%); highest among the groups gnomAD compares: Middle Eastern, 0.033%; no homozygotes.

Submission:

Labcorp Genetics (formerly Invitae), Labcorp
Classification: Uncertain significance. Last evaluated: 2025-07-21. Review status: criteria provided, single submitter. Criteria: Invitae Variant Classification Sherloc (09022015). Collection method: clinical testing. Allele origin: germline.
Comment: This sequence change replaces proline, which is neutral and non-polar, with leucine, which is neutral and non-polar, at codon 1858 of the DOCK6 protein (p.Pro1858Leu). This variant is not present in population databases (gnomAD no frequency). This variant has not been reported in the literature in individuals affected with DOCK6-related conditions. ClinVar contains an entry for this variant (Variation ID: 1933514). An algorithm developed to predict the effect of missense changes on protein structure and function (PolyPhen-2) suggests that this variant is likely to be tolerated. In summary, the available evidence is currently insufficient to determine the role of this variant in disease. Therefore, it has been classified as a Variant of Uncertain Significance.